The following is an entry in ClinVar:

ClinVar aggregate classification (germline): Benign/Likely benign. Review status: criteria provided, multiple submitters, no conflicts (2 of 4 stars). 4 submissions from 4 submitters: Benign (3); Likely benign (1). Last evaluated 2026-08-01.

Conditions:
Early-infantile DEE. Also called: Early infantile epileptic encephalopathy with suppression bursts; Early infantile epileptic encephalopathy; Ohtahara syndrome. Identifiers: Orphanet 1934, MedGen C0393706, MONDO:0800491.

Allele frequency attached by ClinVar (database versions not stated): 1000 Genomes Project 0.00140; TOPMed 0.00145; 1000 Genomes Project 30x 0.00156; ESP Exome Variant Server 0.00200; gnomAD 0.00251 and 0.00258; gnomAD exomes 0.00254; ExAC 0.00292.
gnomAD v4.1: 4,032 of 1,612,902 alleles (0.25%); highest among the groups gnomAD compares: Non-Finnish European, 0.29%; 16 homozygotes.

Submissions (4):

CeGaT Center for Human Genetics Tuebingen
Classification: Likely benign. Last evaluated: 2026-08-01. Review status: criteria provided, single submitter. Criteria: CeGaT Center For Human Genetics Tuebingen Variant Classification Criteria Version 2. Collection method: clinical testing. Allele origin: germline. Affected: yes. Observed: 2 variant alleles.
Comment: ARHGEF15: BP4, BS2

Labcorp Genetics (formerly Invitae), Labcorp
Classification: Benign for Early-infantile DEE. Last evaluated: 2026-02-02. Review status: criteria provided, single submitter. Criteria: Invitae Variant Classification Sherloc (09022015). Collection method: clinical testing. Allele origin: germline.

Centre for Mendelian Genomics, University Medical Centre Ljubljana
Classification: Benign. Last evaluated: 2018-11-08. Review status: criteria provided, single submitter. Criteria: ACMG Guidelines, 2015. Collection method: clinical testing. Allele origin: unknown. Affected: yes.
Comment: This variant was classified as: Benign. The following ACMG criteria were applied in classifying this variant: BS1,BS2.

Breakthrough Genomics
Classification: Benign. Review status: criteria provided, single submitter. Criteria: ACMG Guidelines, 2015. Collection method: not provided. Allele origin: germline. Inheritance: Unknown mechanism. Affected: yes.

NM_173728.4(ARHGEF15):c.1250G>T (p.Arg417Leu)

Gene: ARHGEF15 (Rho guanine nucleotide exchange factor 15; plus strand). Cytogenetic location: 17p13.1.
Variant type: single nucleotide variant.
Coding change: c.1250G>T on transcript NM_173728.4 (MANE Select); coding-DNA position 1250, G replaced by T.
Protein change: p.Arg417Leu; replaces arginine 417 with leucine.
Molecular consequence: missense variant.
Genome position (GRCh38, 1-based): chr17:8,315,267, G>T. VCF-style: chr17-8315267-G-T. GRCh37 (hg19) VCF-style: chr17-8218585-G-T.
Other names: c.1250G>T, p.Arg417Leu (NM_025014.2); short protein forms R417L.
Identifiers: ClinVar variation 412666 (VCV000412666.40), dbSNP rs142119277, ClinGen allele CA8375112.